The following is an entry in ClinVar:

ClinVar aggregate classification (germline): Uncertain significance. Review status: criteria provided, multiple submitters, no conflicts (2 of 4 stars). 2 submissions from 2 submitters: Uncertain significance (2). Last evaluated 2024-09-04.

Conditions:
Inborn genetic diseases. Identifiers: MedGen C0950123, MeSH D030342.

Allele frequency attached by ClinVar (database versions not stated): gnomAD exomes 0.00002 and 0.00010; gnomAD 0.00003 and 0.00004; TOPMed 0.00005; ExAC 0.00007.
gnomAD v4.1: 141 of 1,587,524 alleles (0.0089%); highest among the groups gnomAD compares: Non-Finnish European, 0.012%; no homozygotes.

Submissions (2):

Ambry Genetics
Classification: Uncertain significance for Inborn genetic diseases. Last evaluated: 2024-09-04. Review status: criteria provided, single submitter. Criteria: Ambry Variant Classification Scheme 2023. Collection method: clinical testing. Allele origin: germline.

Labcorp Genetics (formerly Invitae), Labcorp
Classification: Uncertain significance. Last evaluated: 2022-07-26. Review status: criteria provided, single submitter. Criteria: Invitae Variant Classification Sherloc (09022015). Collection method: clinical testing. Allele origin: germline.
Comment: This sequence change replaces aspartic acid, which is acidic and polar, with asparagine, which is neutral and polar, at codon 925 of the ADAMTS10 protein (p.Asp925Asn). This variant is present in population databases (rs782408737, gnomAD 0.002%). This variant has not been reported in the literature in individuals affected with ADAMTS10-related conditions. ClinVar contains an entry for this variant (Variation ID: 1438496). Algorithms developed to predict the effect of missense changes on protein structure and function are either unavailable or do not agree on the potential impact of this missense change (SIFT: "Deleterious"; PolyPhen-2: "Possibly Damaging"; Align-GVGD: "Class C0"). In summary, the available evidence is currently insufficient to determine the role of this variant in disease. Therefore, it has been classified as a Variant of Uncertain Significance.

NM_030957.4(ADAMTS10):c.2773G>A (p.Asp925Asn)

Gene: ADAMTS10 (ADAM metallopeptidase with thrombospondin type 1 motif 10; minus strand). Cytogenetic location: 19p13.2.
Variant type: single nucleotide variant.
Coding change: c.2773G>A on transcript NM_030957.4 (MANE Select); coding-DNA position 2773, G replaced by A.
Protein change: p.Asp925Asn; replaces aspartic acid 925 with asparagine.
Molecular consequence: missense variant.
Genome position (GRCh38, 1-based): chr19:8,585,548, C>T on the plus strand (G>A on the coding strand, the complement: ADAMTS10 is on the minus strand). VCF-style: chr19-8585548-C-T. GRCh37 (hg19) VCF-style: chr19-8650432-C-T.
Other names: c.1234G>A, p.Asp412Asn (NM_001282352.2); c.2773G>A (NM_030957.2); short protein forms D412N, D925N.
Identifiers: ClinVar variation 1438496 (VCV001438496.7), dbSNP rs782408737, ClinGen allele CA9160013.